The following is an entry in ClinVar:

ClinVar aggregate classification (germline): Uncertain significance. Review status: criteria provided, multiple submitters, no conflicts (2 of 4 stars). 2 submissions from 2 submitters: Uncertain significance (2). Last evaluated 2025-05-26.

Conditions:
Inborn genetic diseases. Identifiers: MedGen C0950123, MeSH D030342.

Allele frequency attached by ClinVar (database versions not stated): gnomAD exomes below 0.00001.
gnomAD v4.1: 4 of 1,590,034 alleles (0.00025%); highest among the groups gnomAD compares: Non-Finnish European, 0.00034%; no homozygotes.

Submissions (2):

Ambry Genetics
Classification: Uncertain significance for Inborn genetic diseases. Last evaluated: 2025-05-26. Review status: criteria provided, single submitter. Criteria: Ambry Variant Classification Scheme 2023. Collection method: clinical testing. Allele origin: germline.

Labcorp Genetics (formerly Invitae), Labcorp
Classification: Uncertain significance. Last evaluated: 2024-03-18. Review status: criteria provided, single submitter. Criteria: Invitae Variant Classification Sherloc (09022015). Collection method: clinical testing. Allele origin: germline.
Comment: This sequence change replaces lysine, which is basic and polar, with arginine, which is basic and polar, at codon 819 of the RAI1 protein (p.Lys819Arg). This variant is present in population databases (no rsID available, gnomAD 0.007%). This variant has not been reported in the literature in individuals affected with RAI1-related conditions. ClinVar contains an entry for this variant (Variation ID: 1441417). Advanced modeling of protein sequence and biophysical properties (such as structural, functional, and spatial information, amino acid conservation, physicochemical variation, residue mobility, and thermodynamic stability) performed at Invitae indicates that this missense variant is not expected to disrupt RAI1 protein function with a negative predictive value of 80%. In summary, the available evidence is currently insufficient to determine the role of this variant in disease. Therefore, it has been classified as a Variant of Uncertain Significance.

NM_030665.4(RAI1):c.2456A>G (p.Lys819Arg)

Gene: RAI1 (retinoic acid induced 1; plus strand). Cytogenetic location: 17p11.2.
Variant type: single nucleotide variant.
Coding change: c.2456A>G on transcript NM_030665.4 (MANE Select); coding-DNA position 2456, A replaced by G.
Protein change: p.Lys819Arg; replaces lysine 819 with arginine.
Molecular consequence: missense variant.
Genome position (GRCh38, 1-based): chr17:17,795,404, A>G. VCF-style: chr17-17795404-A-G. GRCh37 (hg19) VCF-style: chr17-17698718-A-G.
Other names: c.2456A>G (NM_030665.3); short protein forms K819R.
Identifiers: ClinVar variation 1441417 (VCV001441417.7), dbSNP rs1375375167, ClinGen allele CA398551006.
Genomic context (GRCh38, chr17:17,795,404, plus strand): 5'-CTGGGGAGAAGGTGGCCTCGTTGCCCGGGGACTTCAAGCAGGAGGAGGTGGGTGGGGTGA[A>G]GGAGGAGGCAGGTGGGCTGCTGCAGTGCCCCGAGGTGGCCAAGGCTGACCGGTGGCTGGA-3'
Protein context (NP_109590.3, residues 809-829): DFKQEEVGGV[Lys819Arg]EEAGGLLQCP